The following is an entry in ClinVar:

ClinVar aggregate classification (germline): Uncertain significance (1 of 4 stars; one submission).

Conditions:
Cardiovascular phenotype. Identifiers: MedGen CN230736.

gnomAD v4.1: 15 of 1,613,774 alleles (0.00093%); highest among the groups gnomAD compares: Non-Finnish European, 0.0013%; no homozygotes.

Submission:

Ambry Genetics
Classification: Uncertain significance for Cardiovascular phenotype. Last evaluated: 2025-06-12. Review status: criteria provided, single submitter. Criteria: Ambry Variant Classification Scheme 2023. Collection method: clinical testing. Allele origin: germline.
Comment: The p.K424N variant (also known as c.1272G>C), located in coding exon 10 of the KCNQ1 gene, results from a G to C substitution at nucleotide position 1272. The lysine at codon 424 is replaced by asparagine, an amino acid with similar properties. This amino acid position is highly conserved in available vertebrate species. In addition, the in silico prediction for this alteration is inconclusive. Based on the available evidence, the clinical significance of this variant remains unclear.

NM_000218.3(KCNQ1):c.1272G>C (p.Lys424Asn)

Gene: KCNQ1 (potassium voltage-gated channel subfamily Q member 1; plus strand). Cytogenetic location: 11p15.5.
Variant type: single nucleotide variant.
Coding change: c.1272G>C on transcript NM_000218.3 (MANE Select); coding-DNA position 1272, G replaced by C.
Protein change: p.Lys424Asn; replaces lysine 424 with asparagine.
Molecular consequence: missense variant.
Genome position (GRCh38, 1-based): chr11:2,588,733, G>C. VCF-style: chr11-2588733-G-C. GRCh37 (hg19) VCF-style: chr11-2609963-G-C.
Other names: c.1176G>C, p.Lys392Asn (NM_001406836.1); c.1002G>C, p.Lys334Asn (NM_001406837.1); c.732G>C, p.Lys244Asn (NM_001406838.1); c.891G>C, p.Lys297Asn (NM_181798.2); short protein forms K297N, K392N, K424N, K334N, K244N.
Identifiers: ClinVar variation 4041811 (VCV004041811.1).